The following is an entry in ClinVar:

NM_017617.5(NOTCH1):c.6397C>G (p.Pro2133Ala)

Gene: NOTCH1 (notch receptor 1; minus strand). Cytogenetic location: 9q34.3.
Variant type: single nucleotide variant.
Coding change: c.6397C>G on transcript NM_017617.5 (MANE Select); coding-DNA position 6397, C replaced by G.
Protein change: p.Pro2133Ala; replaces proline 2133 with alanine.
Molecular consequence: missense variant.
Genome position (GRCh38, 1-based): chr9:136,497,342, G>C on the plus strand (C>G on the coding strand, the complement: NOTCH1 is on the minus strand). VCF-style: chr9-136497342-G-C. GRCh37 (hg19) VCF-style: chr9-139391794-G-C.
Other names: short protein forms P2133A.
Identifiers: ClinVar variation 4861116 (VCV004861116.1).

ClinVar aggregate classification (germline): Uncertain significance (1 of 4 stars; one submission).

Conditions:
Familial thoracic aortic aneurysm and aortic dissection (TAAD). Also called: Thoracic aortic aneurysms and dissections. Identifiers: Orphanet 91387, MedGen C4707243, MONDO:0019625.

gnomAD v4.1: 1 of 1,606,230 alleles (0.000062%); highest among the groups gnomAD compares: Non-Finnish European, 0.000085%; no homozygotes.

Submission:

Ambry Genetics
Classification: Uncertain significance for Familial thoracic aortic aneurysm and aortic dissection. Last evaluated: 2026-05-13. Review status: criteria provided, single submitter. Criteria: Ambry Variant Classification Scheme 2023. Collection method: clinical testing. Allele origin: germline.
Comment: The p.P2133A variant (also known as c.6397C>G), located in coding exon 34 of the NOTCH1 gene, results from a C to G substitution at nucleotide position 6397. The proline at codon 2133 is replaced by alanine, an amino acid with highly similar properties. This amino acid position is highly conserved in available vertebrate species. In addition, this alteration is predicted to be tolerated by in silico analysis. Based on the available evidence, the clinical significance of this variant remains unclear.